The following is an entry in ClinVar:

NM_012079.6(DGAT1):c.719C>G (p.Thr240Ser)

Gene: DGAT1 (diacylglycerol O-acyltransferase 1; minus strand). Cytogenetic location: 8q24.3.
Variant type: single nucleotide variant.
Coding change: c.719C>G on transcript NM_012079.6 (MANE Select); coding-DNA position 719, C replaced by G.
Protein change: p.Thr240Ser; replaces threonine 240 with serine.
Molecular consequence: missense variant.
Genome position (GRCh38, 1-based): chr8:144,318,127, G>C on the plus strand (C>G on the coding strand, the complement: DGAT1 is on the minus strand). VCF-style: chr8-144318127-G-C. GRCh37 (hg19) VCF-style: chr8-145541790-G-C.
Other names: short protein forms T240S.
Identifiers: ClinVar variation 2123861 (VCV002123861.4), dbSNP rs2488953133, ClinGen allele CA372611998.
Genomic context (GRCh38, chr8:144,318,127, plus strand): 5'-CGCACCTCAGGCCCACAGAGGTCCTCACCGCGGTAGGTCAGATTGTCCGGGTAGCTCACG[G>C]TGTGCGGGGCAGCAGCACTGCTGGCCTTCTTCCCTGCAGAGGCTACGAGCACAGCAGAGT-3'
Protein context (NP_036211.2, residues 230-250): KKASSAAAPH[Thr240Ser]VSYPDNLTYR

ClinVar aggregate classification (germline): Uncertain significance (1 of 4 stars; one submission).

Submission:

Labcorp Genetics (formerly Invitae), Labcorp
Classification: Uncertain significance. Last evaluated: 2022-04-09. Review status: criteria provided, single submitter. Criteria: Invitae Variant Classification Sherloc (09022015). Collection method: clinical testing. Allele origin: germline.
Comment: This sequence change replaces threonine, which is neutral and polar, with serine, which is neutral and polar, at codon 240 of the DGAT1 protein (p.Thr240Ser). This variant is not present in population databases (gnomAD no frequency). This variant has not been reported in the literature in individuals affected with DGAT1-related conditions. Algorithms developed to predict the effect of missense changes on protein structure and function output the following: SIFT: "Tolerated"; PolyPhen-2: "Benign"; Align-GVGD: "Class C0". The serine amino acid residue is found in multiple mammalian species, which suggests that this missense change does not adversely affect protein function. In summary, the available evidence is currently insufficient to determine the role of this variant in disease. Therefore, it has been classified as a Variant of Uncertain Significance.